The following is an entry in ClinVar:

ClinVar aggregate classification (germline): Conflicting classifications of pathogenicity. Review status: criteria provided, conflicting classifications (1 of 4 stars). 3 submissions from 3 submitters: Likely pathogenic (1); Uncertain significance (2). Last evaluated 2025-05-16.

Conditions:
Inborn genetic diseases. Identifiers: MedGen C0950123, MeSH D030342.
Cortical dysplasia, complex, with other brain malformations 13. Also called: Intellectual disability, autosomal dominant 13. Identifiers: MedGen C3281202, MONDO:0013805, OMIM 614563.
Autosomal dominant childhood-onset proximal spinal muscular atrophy without contractures. Also called: KUGELBERG-WELANDER SYNDROME, AUTOSOMAL DOMINANT; SPINAL MUSCULAR ATROPHY, JUVENILE, PROXIMAL, AUTOSOMAL DOMINANT; SPINAL MUSCULAR ATROPHY, CHILDHOOD, PROXIMAL, AUTOSOMAL DOMINANT; Spinal muscular atrophy, lower extremity-predominant 1, AD. Identifiers: Orphanet 209341, Orphanet 363447, MedGen C5780022, MONDO:0008026, OMIM 158600.
Charcot-Marie-Tooth disease axonal type 2O. Also called: Charcot-Marie-Tooth disease, axonal, type 20; CHARCOT-MARIE-TOOTH NEUROPATHY, AXONAL, TYPE 2O; CHARCOT-MARIE-TOOTH DISEASE, AXONAL, AUTOSOMAL DOMINANT, TYPE 2O; Charcot-Marie-Tooth Neuropathy Type 2O. Identifiers: Orphanet 284232, MedGen C3280220, MONDO:0013644, OMIM 614228.

Allele frequency attached by ClinVar (database versions not stated): gnomAD exomes below 0.00001.
gnomAD v4.1: 4 of 1,614,204 alleles (0.00025%); highest among the groups gnomAD compares: Non-Finnish European, 0.00034%; no homozygotes.

Submissions (3):

Ambry Genetics
Classification: Uncertain significance for Inborn genetic diseases. Last evaluated: 2025-05-16. Review status: criteria provided, single submitter. Criteria: Ambry Variant Classification Scheme 2023. Collection method: clinical testing. Allele origin: germline.

Labcorp Genetics (formerly Invitae), Labcorp
Classification: Uncertain significance for Charcot-Marie-Tooth disease axonal type 2O. Last evaluated: 2023-12-27. Review status: criteria provided, single submitter. Criteria: Invitae Variant Classification Sherloc (09022015). Collection method: clinical testing. Allele origin: germline.
Comment: This sequence change replaces serine, which is neutral and polar, with leucine, which is neutral and non-polar, at codon 3072 of the DYNC1H1 protein (p.Ser3072Leu). This variant is not present in population databases (gnomAD no frequency). This variant has not been reported in the literature in individuals affected with DYNC1H1-related conditions. ClinVar contains an entry for this variant (Variation ID: 1719428). Advanced modeling of protein sequence and biophysical properties (such as structural, functional, and spatial information, amino acid conservation, physicochemical variation, residue mobility, and thermodynamic stability) has been performed at Invitae for this missense variant, however the output from this modeling did not meet the statistical confidence thresholds required to predict the impact of this variant on DYNC1H1 protein function. In summary, the available evidence is currently insufficient to determine the role of this variant in disease. Therefore, it has been classified as a Variant of Uncertain Significance.

Department of Human Genetics, SALK University Hospital, Paracelsus Medical University Salzburg
Classification: Likely pathogenic for Charcot-Marie-Tooth disease axonal type 2O; Cortical dysplasia, complex, with other brain malformations 13; Autosomal dominant childhood-onset proximal spinal muscular atrophy without contractures. Review status: criteria provided, single submitter. Criteria: ACMG Guidelines, 2015. Collection method: clinical testing. Allele origin: de novo. Inheritance: Autosomal dominant inheritance. Affected: yes. Observed: 1 heterozygote.
Comment: de novo variant, not observed at significant frequency in large population cohorts (gnomAD).

NM_001376.5(DYNC1H1):c.9215C>T (p.Ser3072Leu)

Genes: DYNC1H1 (dynein cytoplasmic 1 heavy chain 1; plus strand), LOC126862060 (BRD4-independent group 4 enhancer GRCh37_chr14:102493659-102494858; plus strand). Cytogenetic location: 14q32.31.
Variant type: single nucleotide variant.
Coding change: c.9215C>T on transcript NM_001376.5 (MANE Select); coding-DNA position 9215, C replaced by T.
Protein change: p.Ser3072Leu; replaces serine 3072 with leucine.
Molecular consequence: missense variant.
Genome position (GRCh38, 1-based): chr14:102,027,785, C>T. VCF-style: chr14-102027785-C-T. GRCh37 (hg19) VCF-style: chr14-102494122-C-T.
Other names: short protein forms S3072L.
Identifiers: ClinVar variation 1719428 (VCV001719428.8), dbSNP rs2503805285, ClinGen allele CA391011514.